The following is an entry in ClinVar:

ClinVar aggregate classification (germline): Uncertain significance (1 of 4 stars; one submission).

Conditions:
Autosomal recessive spinocerebellar ataxia 12. Also called: SPINOCEREBELLAR ATAXIA WITH MENTAL RETARDATION AND EPILEPSY. Identifiers: Orphanet 284282, MedGen C3280452, MONDO:0013687, OMIM 614322.
Developmental and epileptic encephalopathy, 1 (DEE1). Also called: X-linked infantile spasms; West's syndrome; Tonic spasms with clustering, arrest of psychomotor development and hypsarrhythmia on EEG; X-Linked Infantile Spasm Syndrome; OHTAHARA SYNDROME, X-LINKED; Epileptic encephalopathy, early infantile, 1. Identifiers: MedGen C3463992, MONDO:0010632, OMIM 308350. Disease mechanism: loss of function.

gnomAD v4.1: 8 of 1,614,076 alleles (0.0005%); highest among the groups gnomAD compares: African/African-American, 0.011%; no homozygotes.

Submission:

Labcorp Genetics (formerly Invitae), Labcorp
Classification: Uncertain significance for Developmental and epileptic encephalopathy, 1; Autosomal recessive spinocerebellar ataxia 12. Last evaluated: 2022-07-06. Review status: criteria provided, single submitter. Criteria: Invitae Variant Classification Sherloc (09022015). Collection method: clinical testing. Allele origin: germline.
Comment: This sequence change replaces phenylalanine, which is neutral and non-polar, with leucine, which is neutral and non-polar, at codon 237 of the WWOX protein (p.Phe237Leu). In summary, the available evidence is currently insufficient to determine the role of this variant in disease. Therefore, it has been classified as a Variant of Uncertain Significance. Algorithms developed to predict the effect of missense changes on protein structure and function are either unavailable or do not agree on the potential impact of this missense change (SIFT: "Not Available"; PolyPhen-2: "Probably Damaging"; Align-GVGD: "Not Available"). ClinVar contains an entry for this variant (Variation ID: 1395159). This variant has not been reported in the literature in individuals affected with WWOX-related conditions. This variant is present in population databases (no rsID available, gnomAD 0.01%).

NM_016373.4(WWOX):c.711C>A (p.Phe237Leu)

Gene: WWOX (WW domain containing oxidoreductase; plus strand). Cytogenetic location: 16q23.1.
Variant type: single nucleotide variant.
Coding change: c.711C>A on transcript NM_016373.4 (MANE Select); coding-DNA position 711, C replaced by A.
Protein change: p.Phe237Leu; replaces phenylalanine 237 with leucine.
Molecular consequence: missense variant.
Genome position (GRCh38, 1-based): chr16:78,424,975, C>A. VCF-style: chr16-78424975-C-A. GRCh37 (hg19) VCF-style: chr16-78458872-C-A.
Other names: c.372C>A, p.Phe124Leu (NM_001291997.2); short protein forms F124L, F237L.
Identifiers: ClinVar variation 1395159 (VCV001395159.8), dbSNP rs769589145, ClinGen allele CA284540184.